The following is an entry in ClinVar:

ClinVar aggregate classification (germline): Likely pathogenic. Review status: criteria provided, single submitter (1 of 4 stars). 2 submissions from 2 submitters: Likely pathogenic (1). 1 of the submissions does not count toward it. Last evaluated 2024-10-30.

Conditions:
Primary hyperoxaluria. Identifiers: Orphanet 416, MedGen C0020501, MONDO:0002474.
Primary hyperoxaluria, type I (HP1). Also called: GLYCOLIC ACIDURIA; HEPATIC AGT DEFICIENCY; OXALOSIS I; Primary hyperoxaluria type 1. Identifiers: Orphanet 416, Orphanet 93598, MedGen C0268164, MONDO:0009823, OMIM 259900. Disease mechanism: loss of function.

Submissions (2):

Women's Health and Genetics/Laboratory Corporation of America, LabCorp
Classification: Likely pathogenic for Primary hyperoxaluria. Last evaluated: 2024-10-30. Review status: criteria provided, single submitter. Criteria: LabCorp Variant Classification Summary - May 2015. Collection method: clinical testing. Allele origin: germline.
Comment: Variant summary: AGXT c.893T>C (p.Leu298Pro) results in a non-conservative amino acid change located in the Aminotransferase class V domain (IPR000192) of the encoded protein sequence. Five of five in-silico tools predict a damaging effect of the variant on protein function. The variant was absent in 153982 control chromosomes. c.893T>C has been reported in the literature in the homozygous state in related individuals affected with Primary Hyperoxaluria Type 1 and end stage renal disease who also harbored a second variant of uncertain significance in homozygosity (Rinat_1999, Frishberg_2005). At least two publications report experimental evidence evaluating an impact on protein function. The variant protein was found to have severely reduced stability and activity with both the minor and major alleles of AGXT in a yeast cell-based assay system (e.g. Pittman_2012, Lage_2014). ClinVar contains an entry for this variant (Variation ID: 204136). Based on the evidence outlined above, the variant was classified as likely pathogenic.

Clinical Biochemistry Laboratory, Health Services Laboratory
Classification: Pathogenic for Primary hyperoxaluria, type I. Last evaluated: 2014-11-27. Review status: no assertion criteria provided. Collection method: research. Allele origin: germline. Affected: yes. Not counted in ClinVar's aggregate classification.
Comment: Variant in cis with R289C

Literature cited by the submitters: PubMed 22923379 (cited by Women's Health and Genetics/Laboratory Corporation of America, LabCorp); PubMed 24718375 (cited by Women's Health and Genetics/Laboratory Corporation of America, LabCorp and Clinical Biochemistry Laboratory, Health Services Laboratory); PubMed 15961946 (cited by Women's Health and Genetics/Laboratory Corporation of America, LabCorp); PubMed 10541294 (cited by Women's Health and Genetics/Laboratory Corporation of America, LabCorp and Clinical Biochemistry Laboratory, Health Services Laboratory).

NM_000030.3(AGXT):c.893T>C (p.Leu298Pro)

Gene: AGXT (alanine--glyoxylate aminotransferase; plus strand). Cytogenetic location: 2q37.3.
Variant type: single nucleotide variant.
Coding change: c.893T>C on transcript NM_000030.3 (MANE Select); coding-DNA position 893, T replaced by C.
Protein change: p.Leu298Pro; replaces leucine 298 with proline.
Molecular consequence: missense variant.
Genome position (GRCh38, 1-based): chr2:240,877,583, T>C. VCF-style: chr2-240877583-T-C. GRCh37 (hg19) VCF-style: chr2-241817000-T-C.
Other names: short protein forms L298P.
Identifiers: ClinVar variation 204136 (VCV000204136.3), dbSNP rs180177293, ClinGen allele CA275758.